The following is an entry in ClinVar:

ClinVar aggregate classification (germline): Uncertain significance (1 of 4 stars; one submission).

Allele frequency attached by ClinVar (database versions not stated): ExAC 0.00002; TOPMed 0.00002; gnomAD 0.00004; gnomAD exomes 0.00004.
gnomAD v4.1: 59 of 1,614,078 alleles (0.0037%); highest among the groups gnomAD compares: Non-Finnish European, 0.0027%; no homozygotes.

Submission:

Labcorp Genetics (formerly Invitae), Labcorp
Classification: Uncertain significance. Last evaluated: 2023-07-30. Review status: criteria provided, single submitter. Criteria: Invitae Variant Classification Sherloc (09022015). Collection method: clinical testing. Allele origin: germline.
Comment: This sequence change replaces valine, which is neutral and non-polar, with alanine, which is neutral and non-polar, at codon 865 of the PKD1L1 protein (p.Val865Ala). This variant is present in population databases (rs776957385, gnomAD 0.03%). This variant has not been reported in the literature in individuals affected with PKD1L1-related conditions. Advanced modeling of protein sequence and biophysical properties (such as structural, functional, and spatial information, amino acid conservation, physicochemical variation, residue mobility, and thermodynamic stability) has been performed at Invitae for this missense variant, however the output from this modeling did not meet the statistical confidence thresholds required to predict the impact of this variant on PKD1L1 protein function. In summary, the available evidence is currently insufficient to determine the role of this variant in disease. Therefore, it has been classified as a Variant of Uncertain Significance.

NM_138295.5(PKD1L1):c.2594T>C (p.Val865Ala)

Gene: PKD1L1 (polycystin 1 like 1, transient receptor potential channel interacting; minus strand). Cytogenetic location: 7p12.3.
Variant type: single nucleotide variant.
Coding change: c.2594T>C on transcript NM_138295.5 (MANE Select); coding-DNA position 2594, T replaced by C.
Protein change: p.Val865Ala; replaces valine 865 with alanine.
Molecular consequence: missense variant.
Genome position (GRCh38, 1-based): chr7:47,890,623, A>G on the plus strand (T>C on the coding strand, the complement: PKD1L1 is on the minus strand). VCF-style: chr7-47890623-A-G. GRCh37 (hg19) VCF-style: chr7-47930221-A-G.
Other names: short protein forms V865A.
Identifiers: ClinVar variation 2968301 (VCV002968301.3), dbSNP rs776957385, ClinGen allele CA4253685.